The following is an entry in ClinVar:

ClinVar aggregate classification (germline): Uncertain significance (1 of 4 stars; one submission).

gnomAD v4.1: 2 of 1,614,228 alleles (0.00012%); highest among the groups gnomAD compares: Non-Finnish European, 0.00017%; no homozygotes.

Submission:

Labcorp Genetics (formerly Invitae), Labcorp
Classification: Uncertain significance. Last evaluated: 2024-07-12. Review status: criteria provided, single submitter. Criteria: Invitae Variant Classification Sherloc (09022015). Collection method: clinical testing. Allele origin: germline.
Comment: This sequence change replaces aspartic acid, which is acidic and polar, with tyrosine, which is neutral and polar, at codon 257 of the WNT2B protein (p.Asp257Tyr). This variant is not present in population databases (gnomAD no frequency). This variant has not been reported in the literature in individuals affected with WNT2B-related conditions. An algorithm developed to predict the effect of missense changes on protein structure and function (PolyPhen-2) suggests that this variant is likely to be disruptive. Algorithms developed to predict the effect of sequence changes on RNA splicing suggest that this variant may disrupt the consensus splice site. In summary, the available evidence is currently insufficient to determine the role of this variant in disease. Therefore, it has been classified as a Variant of Uncertain Significance.

NM_024494.3(WNT2B):c.769G>T (p.Asp257Tyr)

Gene: WNT2B (Wnt family member 2B; plus strand). Cytogenetic location: 1p13.2.
Variant type: single nucleotide variant.
Coding change: c.769G>T on transcript NM_024494.3 (MANE Select); coding-DNA position 769, G replaced by T.
Protein change: p.Asp257Tyr; replaces aspartic acid 257 with tyrosine.
Molecular consequence: missense variant.
Genome position (GRCh38, 1-based): chr1:112,517,208, G>T. VCF-style: chr1-112517208-G-T. GRCh37 (hg19) VCF-style: chr1-113059830-G-T.
Other names: c.493G>T, p.Asp165Tyr (NM_001291880.1); c.712G>T, p.Asp238Tyr (NM_004185.4); short protein forms D165Y, D238Y, D257Y.
Identifiers: ClinVar variation 3682261 (VCV003682261.2).